The following is an entry in ClinVar:

ClinVar aggregate classification (germline): Uncertain significance (1 of 4 stars; one submission).

Conditions:
Progressive myoclonic epilepsy type 7. Identifiers: Orphanet 435438, MedGen C4015420, MONDO:0014521, OMIM 616187.

gnomAD v4.1: 1 of 1,612,816 alleles (0.000062%); no homozygotes.

Submission:

Labcorp Genetics (formerly Invitae), Labcorp
Classification: Uncertain significance for Progressive myoclonic epilepsy type 7. Last evaluated: 2025-08-20. Review status: criteria provided, single submitter. Criteria: Invitae Variant Classification Sherloc (09022015). Collection method: clinical testing. Allele origin: germline.
Comment: This sequence change replaces histidine, which is basic and polar, with leucine, which is neutral and non-polar, at codon 45 of the KCNC1 protein (p.His45Leu). This variant is not present in population databases (gnomAD no frequency). This variant has not been reported in the literature in individuals affected with KCNC1-related conditions. Invitae Evidence Modeling of protein sequence and biophysical properties (such as structural, functional, and spatial information, amino acid conservation, physicochemical variation, residue mobility, and thermodynamic stability) indicates that this missense variant is not expected to disrupt KCNC1 protein function with a negative predictive value of 95%. In summary, the available evidence is currently insufficient to determine the role of this variant in disease. Therefore, it has been classified as a Variant of Uncertain Significance.

NM_001112741.2(KCNC1):c.134A>T (p.His45Leu)

Gene: KCNC1 (potassium voltage-gated channel subfamily C member 1; plus strand). Cytogenetic location: 11p15.1.
Variant type: single nucleotide variant.
Coding change: c.134A>T on transcript NM_001112741.2 (MANE Select); coding-DNA position 134, A replaced by T.
Protein change: p.His45Leu; replaces histidine 45 with leucine.
Molecular consequence: missense variant.
Genome position (GRCh38, 1-based): chr11:17,736,136, A>T. VCF-style: chr11-17736136-A-T. GRCh37 (hg19) VCF-style: chr11-17757683-A-T.
Other names: c.134A>T, p.His45Leu (NM_004976.4); short protein forms H45L.
Identifiers: ClinVar variation 4800397 (VCV004800397.1).